The following is an entry in ClinVar:

NM_001182.5(ALDH7A1):c.394-1G>C

Gene: ALDH7A1 (aldehyde dehydrogenase 7 family member A1; minus strand). Cytogenetic location: 5q23.2.
Variant type: single nucleotide variant.
Coding change: c.394-1G>C on transcript NM_001182.5 (MANE Select); the canonical splice acceptor site of the intron before coding-DNA position 394, G replaced by C.
Molecular consequence: splice acceptor variant.
Genome position (GRCh38, 1-based): chr5:126,582,975, C>G on the plus strand (G>C on the coding strand, the complement: ALDH7A1 is on the minus strand). VCF-style: chr5-126582975-C-G. GRCh37 (hg19) VCF-style: chr5-125918667-C-G.
Other names: c.394-1G>C (NM_001202404.2); c.310-1G>C (NM_001201377.2).
Identifiers: ClinVar variation 419701 (VCV000419701.14), dbSNP rs1064794053, ClinGen allele CA16618102.

ClinVar aggregate classification (germline): Pathogenic/Likely pathogenic. Review status: criteria provided, multiple submitters, no conflicts (2 of 4 stars). 3 submissions from 3 submitters: Pathogenic (1); Likely pathogenic (2). Last evaluated 2026-09-15.

Conditions:
Pyridoxine-dependent epilepsy (EPEO4). Also called: EPILEPSY, EARLY-ONSET, 4, VITAMIN B6-DEPENDENT; Pyridoxine-Dependent Epilepsy - ALDH7A1; PYRIDOXINE DEPENDENCY WITH SEIZURES; Pyridoxine-Dependent Seizures. Identifiers: Orphanet 3006, MedGen C1849508, MONDO:0009945, OMIM 266100. Disease mechanism: loss of function.

gnomAD v4.1: 1 of 1,613,870 alleles (0.000062%); highest among the groups gnomAD compares: Non-Finnish European, 0.000085%; no homozygotes.

Submissions (3):

GeneDx
Classification: Pathogenic. Last evaluated: 2026-09-15. Review status: criteria provided, single submitter. Criteria: GeneDx Variant Classification Process June 2021. Collection method: clinical testing. Allele origin: germline.
Comment: Reported in a patient with pyridoxine-dependent epilepsy in the published literature (PMID: 30043187); Canonical splice site variant predicted to result in a null allele in a gene for which loss of function is a known mechanism of disease; Not observed at significant frequency in large population cohorts (gnomAD); This variant is associated with the following publications: (PMID: 30043187)

Labcorp Genetics (formerly Invitae), Labcorp
Classification: Likely pathogenic for Pyridoxine-dependent epilepsy. Last evaluated: 2024-10-24. Review status: criteria provided, single submitter. Criteria: Invitae Variant Classification Sherloc (09022015). Collection method: clinical testing. Allele origin: germline.
Comment: This sequence change affects an acceptor splice site in intron 4 of the ALDH7A1 gene. It is expected to disrupt RNA splicing. Variants that disrupt the donor or acceptor splice site typically lead to a loss of protein function (PMID: 16199547), and loss-of-function variants in ALDH7A1 are known to be pathogenic (PMID: 16491085, 20554659). This variant is not present in population databases (gnomAD no frequency). Disruption of this splice site has been observed in individual(s) with clinical features of pyridoxine-dependent epilepsy (PMID: 30043187). ClinVar contains an entry for this variant (Variation ID: 419701). Algorithms developed to predict the effect of sequence changes on RNA splicing suggest that this variant may disrupt the consensus splice site. In summary, the currently available evidence indicates that the variant is pathogenic, but additional data are needed to prove that conclusively. Therefore, this variant has been classified as Likely Pathogenic.

Genome-Nilou Lab
Classification: Likely pathogenic for Pyridoxine-dependent epilepsy. Last evaluated: 2023-04-11. Review status: criteria provided, single submitter. Criteria: ACMG Guidelines, 2015. Collection method: clinical testing. Allele origin: germline. Affected: no.

Literature cited by the submitters: PubMed 16199547 (cited by Labcorp Genetics (formerly Invitae), Labcorp); PubMed 16491085 (cited by Labcorp Genetics (formerly Invitae), Labcorp); PubMed 20554659 (cited by Labcorp Genetics (formerly Invitae), Labcorp); PubMed 30043187 (cited by Labcorp Genetics (formerly Invitae), Labcorp).